The following is an entry in ClinVar:

NM_002739.5(PRKCG):c.340T>G (p.Cys114Gly)

Gene: PRKCG (protein kinase C gamma; plus strand). Cytogenetic location: 19q13.42.
Variant type: single nucleotide variant.
Coding change: c.340T>G on transcript NM_002739.5 (MANE Select); coding-DNA position 340, T replaced by G.
Protein change: p.Cys114Gly; replaces cysteine 114 with glycine.
Molecular consequence: missense variant.
Genome position (GRCh38, 1-based): chr19:53,889,692, T>G. VCF-style: chr19-53889692-T-G. GRCh37 (hg19) VCF-style: chr19-54392946-T-G.
Other names: c.340T>G, p.Cys114Gly (NM_001316329.2); short protein forms C114G.
Identifiers: ClinVar variation 4082066 (VCV004082066.2).

ClinVar aggregate classification (germline): Likely pathogenic (1 of 4 stars; one submission).

Conditions:
Spinocerebellar ataxia type 14 (SCA14). Identifiers: Orphanet 98763, MedGen C1854369, MONDO:0011540, OMIM 605361.

Submission:

Clinical Genetics Laboratory, University Hospital Schleswig-Holstein
Classification: Likely pathogenic for Spinocerebellar ataxia type 14. Last evaluated: 2025-04-30. Review status: criteria provided, single submitter. Criteria: ACMG Guidelines, 2015. Collection method: clinical testing. Allele origin: germline. Affected: yes. Observed: 2 heterozygotes.
Comment: ACMG criteria applied: PM2, PP3, PM1, PP4